The following is an entry in ClinVar:

NM_080669.6(SLC46A1):c.191G>A (p.Gly64Glu)

Gene: SLC46A1 (solute carrier family 46 member 1; minus strand). Cytogenetic location: 17q11.2.
Variant type: single nucleotide variant.
Coding change: c.191G>A on transcript NM_080669.6 (MANE Select); coding-DNA position 191, G replaced by A.
Protein change: p.Gly64Glu; replaces glycine 64 with glutamic acid.
Molecular consequence: missense variant.
Genome position (GRCh38, 1-based): chr17:28,405,924, C>T on the plus strand (G>A on the coding strand, the complement: SLC46A1 is on the minus strand). VCF-style: chr17-28405924-C-T. GRCh37 (hg19) VCF-style: chr17-26732942-C-T.
Other names: c.191G>A, p.Gly64Glu (NM_001242366.3); short protein forms G64E.
Identifiers: ClinVar variation 1690796 (VCV001690796.7), dbSNP rs2142469782, ClinGen allele CA398353820.

ClinVar aggregate classification (germline): Uncertain significance. Review status: criteria provided, multiple submitters, no conflicts (2 of 4 stars). 2 submissions from 2 submitters: Uncertain significance (2). Last evaluated 2024-10-15.

gnomAD v4.1: 2 of 1,609,410 alleles (0.00012%); highest among the groups gnomAD compares: Middle Eastern, 0.018%; no homozygotes.

Submissions (2):

Labcorp Genetics (formerly Invitae), Labcorp
Classification: Uncertain significance. Last evaluated: 2024-10-15. Review status: criteria provided, single submitter. Criteria: Invitae Variant Classification Sherloc (09022015). Collection method: clinical testing. Allele origin: germline.
Comment: This sequence change replaces glycine, which is neutral and non-polar, with glutamic acid, which is acidic and polar, at codon 64 of the SLC46A1 protein (p.Gly64Glu). This variant is not present in population databases (gnomAD no frequency). This variant has not been reported in the literature in individuals affected with SLC46A1-related conditions. ClinVar contains an entry for this variant (Variation ID: 1690796). Invitae Evidence Modeling of protein sequence and biophysical properties (such as structural, functional, and spatial information, amino acid conservation, physicochemical variation, residue mobility, and thermodynamic stability) indicates that this missense variant is not expected to disrupt SLC46A1 protein function with a negative predictive value of 80%. In summary, the available evidence is currently insufficient to determine the role of this variant in disease. Therefore, it has been classified as a Variant of Uncertain Significance.

Laboratorio de Genetica e Diagnostico Molecular, Hospital Israelita Albert Einstein
Classification: Uncertain significance. Last evaluated: 2019-04-24. Review status: criteria provided, single submitter. Criteria: ACMG Guidelines, 2015. Collection method: clinical testing. Allele origin: germline. Affected: yes.
Comment: ACMG classification criteria: PM1, PM2, PP2, BP4